The following is an entry in ClinVar:

ClinVar aggregate classification (germline): Uncertain significance. Review status: criteria provided, multiple submitters, no conflicts (2 of 4 stars). 2 submissions from 2 submitters: Uncertain significance (2). Last evaluated 2025-10-07.

Conditions:
Early-infantile DEE. Also called: Early infantile epileptic encephalopathy; Early infantile epileptic encephalopathy with suppression bursts; Ohtahara syndrome. Identifiers: Orphanet 1934, MedGen C0393706, MONDO:0800491.

Allele frequency attached by ClinVar (database versions not stated): gnomAD 0.00001; TOPMed 0.00001; gnomAD exomes 0.00002.
gnomAD v4.1: 12 of 1,614,048 alleles (0.00074%); highest among the groups gnomAD compares: Non-Finnish European, 0.001%; no homozygotes.

Submissions (2):

Women's Health and Genetics/Laboratory Corporation of America, LabCorp
Classification: Uncertain significance. Last evaluated: 2025-10-07. Review status: criteria provided, single submitter. Criteria: LabCorp Variant Classification Summary - May 2015. Collection method: clinical testing. Allele origin: germline.
Comment: Variant summary: SPTAN1 c.5243A>G (p.Asn1748Ser) results in a conservative amino acid change in the encoded protein sequence. Algorithms developed to predict the effect of missense changes on protein structure and function are either unavailable or do not agree on the potential impact of this missense change. The variant was absent in 251426 control chromosomes. The available data on variant occurrences in the general population are insufficient to allow any conclusion about variant significance. To our knowledge, no occurrence of c.5243A>G in individuals affected with SPTAN1-related conditions and no experimental evidence demonstrating its impact on protein function have been reported. ClinVar contains an entry for this variant (Variation ID: 1415898). Based on the evidence outlined above, the variant was classified as uncertain significance.

Labcorp Genetics (formerly Invitae), Labcorp
Classification: Uncertain significance for Early-infantile DEE. Last evaluated: 2025-08-19. Review status: criteria provided, single submitter. Criteria: Invitae Variant Classification Sherloc (09022015). Collection method: clinical testing. Allele origin: germline.
Comment: This sequence change replaces asparagine, which is neutral and polar, with serine, which is neutral and polar, at codon 1748 of the SPTAN1 protein (p.Asn1748Ser). This variant is not present in population databases (gnomAD no frequency). This missense change has been observed in individual(s) with clinical features of SPTAN1-related conditions (internal data). ClinVar contains an entry for this variant (Variation ID: 1415898). Invitae Evidence Modeling of protein sequence and biophysical properties (such as structural, functional, and spatial information, amino acid conservation, physicochemical variation, residue mobility, and thermodynamic stability) has been performed for this missense variant. However, the output from this modeling did not meet the statistical confidence thresholds required to predict the impact of this variant on SPTAN1 protein function. In summary, the available evidence is currently insufficient to determine the role of this variant in disease. Therefore, it has been classified as a Variant of Uncertain Significance.

NM_001130438.3(SPTAN1):c.5243A>G (p.Asn1748Ser)

Gene: SPTAN1 (spectrin alpha, non-erythrocytic 1; plus strand). Cytogenetic location: 9q34.11.
Variant type: single nucleotide variant.
Coding change: c.5243A>G on transcript NM_001130438.3 (MANE Select); coding-DNA position 5243, A replaced by G.
Protein change: p.Asn1748Ser; replaces asparagine 1748 with serine.
Molecular consequence: missense variant.
Genome position (GRCh38, 1-based): chr9:128,615,726, A>G. VCF-style: chr9-128615726-A-G. GRCh37 (hg19) VCF-style: chr9-131378005-A-G.
Other names: c.5168A>G, p.Asn1723Ser (NM_001195532.2); c.5243A>G, p.Asn1748Ser (NM_001363759.2, NM_001375310.1, NM_001375311.2 and 1 more transcripts); c.5183A>G, p.Asn1728Ser (NM_001363765.2, NM_001375314.2); c.5279A>G, p.Asn1760Ser (NM_001375312.2, NM_001375318.1); c.5228A>G, p.Asn1743Ser (NM_003127.4); short protein forms N1728S, N1760S, N1723S, N1743S, N1748S.
Identifiers: ClinVar variation 1415898 (VCV001415898.10), dbSNP rs1435643999, ClinGen allele CA375074616.